The following is an entry in ClinVar:

ClinVar aggregate classification (germline): Uncertain significance (1 of 4 stars; one submission).

Allele frequency attached by ClinVar (database versions not stated): ExAC 0.00001; gnomAD exomes 0.00001.
gnomAD v4.1: 9 of 1,614,162 alleles (0.00056%); highest among the groups gnomAD compares: Non-Finnish European, 0.00076%; no homozygotes.

Submission:

Women's Health and Genetics/Laboratory Corporation of America, LabCorp
Classification: Uncertain significance. Last evaluated: 2023-10-27. Review status: criteria provided, single submitter. Criteria: LabCorp Variant Classification Summary - May 2015. Collection method: clinical testing. Allele origin: germline.
Comment: Variant summary: KIAA0196 c.1889T>C (p.Ile630Thr) results in a non-conservative amino acid change in the encoded protein sequence. Four of five in-silico tools predict a damaging effect of the variant on protein function. The variant allele was found at a frequency of 8e-06 in 251232 control chromosomes. The available data on variant occurrences in the general population are insufficient to allow any conclusion about variant significance. To our knowledge, no occurrence of c.1889T>C in individuals affected with recessive Ritscher-Schinzel Syndrome 1 or dominant Spastic paraplegia type 8 and no experimental evidence demonstrating its impact on protein function have been reported. No submitters have cited clinical-significance assessments for this variant to ClinVar after 2014. Based on the evidence outlined above, the variant was classified as uncertain significance.

NM_014846.4(WASHC5):c.1889T>C (p.Ile630Thr)

Gene: WASHC5 (WASH complex subunit 5; minus strand). Cytogenetic location: 8q24.13.
Variant type: single nucleotide variant.
Coding change: c.1889T>C on transcript NM_014846.4 (MANE Select); coding-DNA position 1889, T replaced by C.
Protein change: p.Ile630Thr; replaces isoleucine 630 with threonine.
Molecular consequence: missense variant.
Genome position (GRCh38, 1-based): chr8:125,056,804, A>G on the plus strand (T>C on the coding strand, the complement: WASHC5 is on the minus strand). VCF-style: chr8-125056804-A-G. GRCh37 (hg19) VCF-style: chr8-126069046-A-G.
Other names: c.1445T>C, p.Ile482Thr (NM_001330609.2); short protein forms I482T, I630T.
Identifiers: ClinVar variation 2637525 (VCV002637525.1), dbSNP rs773906308, ClinGen allele CA4873684.
Genomic context (GRCh38, chr8:125,056,804, plus strand): 5'-ATAATGTCGTGGGTCTGAAGCTTTATGATCTTTAGAAGAGATGTAAACATGCTTTCTGGG[A>G]TGATCTGCAAAACCTTCAGTGAAAAGGAAAGCAGGAAACGCAATGAACATCTGTTTTACT-3'
Protein context (NP_055661.3, residues 620-640): VSYVRKVLQI[Ile630Thr]PESMFTSLLK